The following is an entry in ClinVar:

ClinVar aggregate classification (germline): Uncertain significance. Review status: criteria provided, multiple submitters, no conflicts (2 of 4 stars). 2 submissions from 2 submitters: Uncertain significance (2). Last evaluated 2023-10-31.

Allele frequency attached by ClinVar (database versions not stated): gnomAD 0.00001.
gnomAD v4.1: 1 of 1,613,858 alleles (0.000062%); highest among the groups gnomAD compares: African/African-American, 0.0013%; no homozygotes.

Submissions (2):

GeneDx
Classification: Uncertain significance. Last evaluated: 2023-10-31. Review status: criteria provided, single submitter. Criteria: GeneDx Variant Classification Process June 2021. Collection method: clinical testing. Allele origin: germline. Affected: yes.
Comment: Not observed at significant frequency in large population cohorts (gnomAD); In silico analysis supports that this missense variant has a deleterious effect on protein structure/function; Has not been previously published as pathogenic or benign to our knowledge

Labcorp Genetics (formerly Invitae), Labcorp
Classification: Uncertain significance. Last evaluated: 2022-06-14. Review status: criteria provided, single submitter. Criteria: Invitae Variant Classification Sherloc (09022015). Collection method: clinical testing. Allele origin: germline.
Comment: This sequence change replaces threonine, which is neutral and polar, with isoleucine, which is neutral and non-polar, at codon 612 of the KIDINS220 protein (p.Thr612Ile). This variant is not present in population databases (gnomAD no frequency). This variant has not been reported in the literature in individuals affected with KIDINS220-related conditions. Algorithms developed to predict the effect of missense changes on protein structure and function are either unavailable or do not agree on the potential impact of this missense change (SIFT: "Tolerated"; PolyPhen-2: "Probably Damaging"; Align-GVGD: "Class C15"). In summary, the available evidence is currently insufficient to determine the role of this variant in disease. Therefore, it has been classified as a Variant of Uncertain Significance.

NM_020738.4(KIDINS220):c.1835C>T (p.Thr612Ile)

Gene: KIDINS220 (kinase D interacting substrate 220; minus strand). Cytogenetic location: 2p25.1.
Variant type: single nucleotide variant.
Coding change: c.1835C>T on transcript NM_020738.4 (MANE Select); coding-DNA position 1835, C replaced by T.
Protein change: p.Thr612Ile; replaces threonine 612 with isoleucine.
Molecular consequence: missense variant. On other transcripts: non-coding transcript variant (2).
Genome position (GRCh38, 1-based): chr2:8,786,310, G>A on the plus strand (C>T on the coding strand, the complement: KIDINS220 is on the minus strand). VCF-style: chr2-8786310-G-A. GRCh37 (hg19) VCF-style: chr2-8926440-G-A.
Other names: c.1835C>T (NM_020738.2); c.1838C>T, p.Thr613Ile (NM_001348729.2, NM_001348731.2, NM_001348734.2 and 3 more transcripts); c.1835C>T, p.Thr612Ile (NM_001348732.2, NM_001348735.2, NM_001348738.2 and 3 more transcripts); c.1709C>T, p.Thr570Ile (NM_001348736.2); short protein forms T612I, T613I, T570I.
Identifiers: ClinVar variation 2006742 (VCV002006742.5), dbSNP rs1672392466, ClinGen allele CA345765578.
Genomic context (GRCh38, chr2:8,786,310, plus strand): 5'-AAAAAGCCAAACTCTCTTTCACAAGCATCCGAGAGGGTTGCAATCATTTCAGCCAGAGAA[G>A]TTTCTCCACCTACACTGGACAGTCTATTGTAATCTGTAAACAAAAACCTTGAAGAAAAGA-3'
Protein context (NP_065789.1, residues 602-622): YNRLSSVGGE[Thr612Ile]SLAEMIATLS